The following is an entry in ClinVar:

ClinVar aggregate classification (germline): Conflicting classifications of pathogenicity. Review status: criteria provided, conflicting classifications (1 of 4 stars). 2 submissions from 2 submitters: Uncertain significance (1); Likely benign (1). Last evaluated 2025-09-25.

Conditions:
Candidiasis, familial, 9 (CANDF9). Identifiers: Orphanet 1334, MedGen C4225324, MONDO:0014642, OMIM 616445.

Allele frequency attached by ClinVar (database versions not stated): ExAC 0.00001; gnomAD exomes 0.00001.
gnomAD v4.1: 7 of 1,608,144 alleles (0.00044%); highest among the groups gnomAD compares: Middle Eastern, 0.05%; no homozygotes.

Submissions (2):

Ambry Genetics
Classification: Likely benign. Last evaluated: 2025-09-25. Review status: criteria provided, single submitter. Criteria: Ambry Variant Classification Scheme 2023. Collection method: clinical testing. Allele origin: germline.

Labcorp Genetics (formerly Invitae), Labcorp
Classification: Uncertain significance for Candidiasis, familial, 9. Last evaluated: 2022-07-29. Review status: criteria provided, single submitter. Criteria: Invitae Variant Classification Sherloc (09022015). Collection method: clinical testing. Allele origin: germline.
Comment: This sequence change replaces serine, which is neutral and polar, with arginine, which is basic and polar, at codon 661 of the IL17RC protein (p.Ser661Arg). This variant is present in population databases (rs746284818, gnomAD 0.002%). This variant has not been reported in the literature in individuals affected with IL17RC-related conditions. Algorithms developed to predict the effect of missense changes on protein structure and function output the following: SIFT: "Tolerated"; PolyPhen-2: "Benign"; Align-GVGD: "Class C0". The arginine amino acid residue is found in multiple mammalian species, which suggests that this missense change does not adversely affect protein function. In summary, the available evidence is currently insufficient to determine the role of this variant in disease. Therefore, it has been classified as a Variant of Uncertain Significance.

NM_153460.4(IL17RC):c.1770C>G (p.Ser590Arg)

Gene: IL17RC (interleukin 17 receptor C; plus strand). Cytogenetic location: 3p25.3.
Variant type: single nucleotide variant.
Coding change: c.1770C>G on transcript NM_153460.4 (MANE Select); coding-DNA position 1770, C replaced by G.
Protein change: p.Ser590Arg; replaces serine 590 with arginine.
Molecular consequence: missense variant. On other transcripts: non-coding transcript variant (1).
Genome position (GRCh38, 1-based): chr3:9,933,200, C>G. VCF-style: chr3-9933200-C-G. GRCh37 (hg19) VCF-style: chr3-9974884-C-G.
Other names: c.1983C>G (NM_153461.3); c.1731C>G, p.Ser577Arg (NM_001203263.2); c.1680C>G, p.Ser560Arg (NM_001203264.2); c.1674C>G, p.Ser558Arg (NM_001203265.2); c.1692C>G, p.Ser564Arg (NM_001367278.1); c.1611C>G, p.Ser537Arg (NM_001367279.1); c.1686C>G, p.Ser562Arg (NM_001367280.1); c.1635C>G, p.Ser545Arg (NM_001410711.1); and 2 more; short protein forms S560R, S562R, S590R, S661R, S558R, S575R, S577R, S537R.
Identifiers: ClinVar variation 1909238 (VCV001909238.6), dbSNP rs746284818, ClinGen allele CA2247404.